The following is an entry in ClinVar:

NM_000038.6(APC):c.8527G>C (p.Val2843Leu)

Gene: APC (APC regulator of Wnt signaling pathway; plus strand). Cytogenetic location: 5q22.2.
Variant type: single nucleotide variant.
Coding change: c.8527G>C on transcript NM_000038.6 (MANE Select); coding-DNA position 8527, G replaced by C.
Protein change: p.Val2843Leu; replaces valine 2843 with leucine.
Molecular consequence: missense variant. On other transcripts: non-coding transcript variant (2).
Genome position (GRCh38, 1-based): chr5:112,844,121, G>C. VCF-style: chr5-112844121-G-C. GRCh37 (hg19) VCF-style: chr5-112179818-G-C.
Other names: c.8581G>C, p.Val2861Leu (NM_001407449.1, NM_001354896.2, NM_001407447.1 and 1 more transcripts); c.8527G>C, p.Val2843Leu (NM_001407450.1, NM_001127510.3, NM_001354895.2); c.8506G>C, p.Val2836Leu (NM_001407451.1); c.8497G>C, p.Val2833Leu (NM_001407452.1); c.8350G>C, p.Val2784Leu (NM_001407453.1, NM_001354901.2); c.8278G>C, p.Val2760Leu (NM_001407454.1, NM_001407455.1, NM_001407456.1 and 1 more transcripts); c.8224G>C, p.Val2742Leu (NM_001407458.1, NM_001407459.1, NM_001407460.1 and 1 more transcripts); c.8140G>C, p.Val2714Leu (NM_001407467.1, NM_001407469.1); and 11 more; short protein forms V2459L, V2683L, V2752L, V2760L, V2843L, V2560L, V2802L, V2815L.
Identifiers: ClinVar variation 3668329 (VCV003668329.2).

ClinVar aggregate classification (germline): Uncertain significance (1 of 4 stars; one submission).

Conditions:
Familial adenomatous polyposis 1 (FAP1). Also called: FAMILIAL ADENOMATOUS POLYPOSIS 1, ATTENUATED; POLYPOSIS, ADENOMATOUS INTESTINAL. Identifiers: MedGen C2713442, MONDO:0021056, OMIM 175100. Disease mechanism: loss of function.

Submission:

Labcorp Genetics (formerly Invitae), Labcorp
Classification: Uncertain significance for Familial adenomatous polyposis 1. Last evaluated: 2024-03-23. Review status: criteria provided, single submitter. Criteria: Invitae Variant Classification Sherloc (09022015). Collection method: clinical testing. Allele origin: germline.
Comment: This sequence change replaces valine, which is neutral and non-polar, with leucine, which is neutral and non-polar, at codon 2843 of the APC protein (p.Val2843Leu). This variant is not present in population databases (gnomAD no frequency). This variant has not been reported in the literature in individuals affected with APC-related conditions. Advanced modeling of protein sequence and biophysical properties (such as structural, functional, and spatial information, amino acid conservation, physicochemical variation, residue mobility, and thermodynamic stability) performed at Invitae indicates that this missense variant is not expected to disrupt APC protein function with a negative predictive value of 95%. In summary, the available evidence is currently insufficient to determine the role of this variant in disease. Therefore, it has been classified as a Variant of Uncertain Significance.